The following is an entry in ClinVar:

NM_000101.4(CYBA):c.128+5C>G

Gene: CYBA (cytochrome b-245 alpha chain; minus strand). Cytogenetic location: 16q24.2.
Variant type: single nucleotide variant.
Coding change: c.128+5C>G on transcript NM_000101.4 (MANE Select); 5 bases into the intron after coding-DNA position 128, C replaced by G.
Molecular consequence: intron variant.
Genome position (GRCh38, 1-based): chr16:88,648,040, G>C on the plus strand (C>G on the coding strand, the complement: CYBA is on the minus strand). VCF-style: chr16-88648040-G-C. GRCh37 (hg19) VCF-style: chr16-88714448-G-C.
Identifiers: ClinVar variation 651593 (VCV000651593.5), dbSNP rs749332805, ClinGen allele CA8228442.

ClinVar aggregate classification (germline): Uncertain significance. Review status: criteria provided, single submitter (1 of 4 stars). 2 submissions from 2 submitters: Uncertain significance (1). 1 of the submissions does not count toward it. Last evaluated 2022-05-19.

Conditions:
Granulomatous disease, chronic, autosomal recessive, cytochrome b-negative. Also called: GRANULOMATOUS DISEASE, CHRONIC, AUTOSOMAL RECESSIVE, 4; Chronic granulomatous disease, autosomal, due to deficiency of CYBA; CGD DUE TO DEFICIENCY OF THE ALPHA SUBUNIT OF CYTOCHROME b; CGD, AUTOSOMAL RECESSIVE CYTOCHROME b-NEGATIVE; CYBA DEFICIENCY. Identifiers: Orphanet 379, MedGen C1856255, MONDO:0009308, OMIM 233690.
Chronic granulomatous disease. Identifiers: Orphanet 379, MedGen C0018203, MONDO:0018305.

Allele frequency attached by ClinVar (database versions not stated): TOPMed 0.00001; ExAC 0.00004.
gnomAD v4.1: 82 of 1,611,684 alleles (0.0051%); highest among the groups gnomAD compares: Non-Finnish European, 0.006%; no homozygotes.

Submissions (2):

Labcorp Genetics (formerly Invitae), Labcorp
Classification: Uncertain significance for Granulomatous disease, chronic, autosomal recessive, cytochrome b-negative. Last evaluated: 2022-05-19. Review status: criteria provided, single submitter. Criteria: Invitae Variant Classification Sherloc (09022015). Collection method: clinical testing. Allele origin: germline.
Comment: This sequence change falls in intron 2 of the CYBA gene. It does not directly change the encoded amino acid sequence of the CYBA protein. It affects a nucleotide within the consensus splice site. This variant is present in population databases (rs749332805, gnomAD 0.009%). This variant has not been reported in the literature in individuals affected with CYBA-related conditions. ClinVar contains an entry for this variant (Variation ID: 651593). Variants that disrupt the consensus splice site are a relatively common cause of aberrant splicing (PMID: 17576681, 9536098). Algorithms developed to predict the effect of sequence changes on RNA splicing suggest that this variant is not likely to affect RNA splicing. In summary, the available evidence is currently insufficient to determine the role of this variant in disease. Therefore, it has been classified as a Variant of Uncertain Significance.

Natera, Inc.
Classification: Uncertain significance for Chronic granulomatous disease. Last evaluated: 2020-03-24. Review status: no assertion criteria provided. Collection method: clinical testing. Allele origin: germline. Not counted in ClinVar's aggregate classification.

Literature cited by the submitters: PubMed 17576681 (cited by Labcorp Genetics (formerly Invitae), Labcorp); PubMed 9536098 (cited by Labcorp Genetics (formerly Invitae), Labcorp).